The following is an entry in ClinVar:

NM_198253.3(TERT):c.1152G>C (p.Gln384His)

Gene: TERT (telomerase reverse transcriptase; minus strand). Cytogenetic location: 5p15.33.
Variant type: single nucleotide variant.
Coding change: c.1152G>C on transcript NM_198253.3 (MANE Select); coding-DNA position 1152, G replaced by C.
Protein change: p.Gln384His; replaces glutamine 384 with histidine.
Molecular consequence: missense variant. On other transcripts: non-coding transcript variant (2).
Genome position (GRCh38, 1-based): chr5:1,293,734, C>G on the plus strand (G>C on the coding strand, the complement: TERT is on the minus strand). VCF-style: chr5-1293734-C-G. GRCh37 (hg19) VCF-style: chr5-1293849-C-G.
Other names: c.1152G>C, p.Gln384His (NM_001193376.3); short protein forms Q384H.
Identifiers: ClinVar variation 1010182 (VCV001010182.9), dbSNP rs1751157044, ClinGen allele CA359086725.

ClinVar aggregate classification (germline): Uncertain significance (1 of 4 stars; one submission).

Conditions:
Dyskeratosis congenita, autosomal dominant 2. Identifiers: MedGen C3151443, MONDO:0013521, OMIM 613989.
Idiopathic Pulmonary Fibrosis. Also called: Idiopathic fibrosing alveolitis, chronic form; idiopathic fibrosing alveolitis. Identifiers: Orphanet 2032, MedGen C1800706, MeSH D054990, MONDO:0800504.

Submission:

Labcorp Genetics (formerly Invitae), Labcorp
Classification: Uncertain significance for Dyskeratosis congenita, autosomal dominant 2; Idiopathic Pulmonary Fibrosis. Last evaluated: 2020-03-14. Review status: criteria provided, single submitter. Criteria: Invitae Variant Classification Sherloc (09022015). Collection method: clinical testing. Allele origin: germline.
Comment: This variant has not been reported in the literature in individuals with TERT-related conditions. This variant is not present in population databases (ExAC no frequency). This sequence change replaces glutamine with histidine at codon 384 of the TERT protein (p.Gln384His). The glutamine residue is weakly conserved and there is a small physicochemical difference between glutamine and histidine. Algorithms developed to predict the effect of missense changes on protein structure and function are either unavailable or do not agree on the potential impact of this missense change (SIFT: "Tolerated"; PolyPhen-2: "Possibly Damaging"; Align-GVGD: "Class C0"). In summary, the available evidence is currently insufficient to determine the role of this variant in disease. Therefore, it has been classified as a Variant of Uncertain Significance.